The following is an entry in ClinVar:

ClinVar aggregate classification (germline): Conflicting classifications of pathogenicity. Review status: criteria provided, conflicting classifications (1 of 4 stars). 8 submissions from 8 submitters: Likely pathogenic (1); Uncertain significance (7). Last evaluated 2025-11-18.

Conditions:
Noonan syndrome 10 (NS10). Identifiers: Orphanet 648, MedGen C4225280, MONDO:0014693, OMIM 616564.
Noonan syndrome 2 (NS2). Identifiers: Orphanet 648, MedGen C1854469, MONDO:0011531, OMIM 605275.
Cardiovascular phenotype. Identifiers: MedGen CN230736.
Hereditary cancer-predisposing syndrome. Also called: Hereditary neoplastic syndrome; Tumor predisposition; Neoplastic Syndromes, Hereditary; Hereditary Cancer Syndrome. Identifiers: Orphanet 140162, MedGen C0027672, MeSH D009386, MONDO:0015356.
LZTR1-related schwannomatosis. Also called: Schwannomatosis 2; Schwannomatosis-2, susceptibility to. Identifiers: Orphanet 93921, MedGen C3810283, MONDO:0014299, OMIM 615670.
Cardiomyopathy (CMYO). Also called: Cardiomyopathies. Identifiers: Orphanet 167848, MedGen C0878544, MONDO:0004994, HP:0001638. Inheritance: Various modes of inheritance.

Allele frequency attached by ClinVar (database versions not stated): TOPMed 0.00001.

Submissions (8):

Petrovsky National Research Centre of Surgery, The Federal Agency for Scientific Organizations
Classification: Likely pathogenic for Cardiomyopathy. Last evaluated: 2025-11-18. Review status: criteria provided, single submitter. Criteria: ACMG Guidelines, 2015. Collection method: clinical testing. Allele origin: germline. Affected: yes. Observed: 1 variant allele.
Comment: The variant is present in The Genome Aggregation Database (gnomAD) v4.1.0 with a total MAF of 0.000009913. In accordance with ACMG (2015) criteria, this variant is_x000D_

Labcorp Genetics (formerly Invitae), Labcorp
Classification: Uncertain significance. Last evaluated: 2025-09-17. Review status: criteria provided, single submitter. Criteria: Invitae Variant Classification Sherloc (09022015). Collection method: clinical testing. Allele origin: germline.
Comment: This sequence change replaces valine, which is neutral and non-polar, with isoleucine, which is neutral and non-polar, at codon 124 of the LZTR1 protein (p.Val124Ile). This variant is present in population databases (no rsID available, gnomAD no frequency). This variant has not been reported in the literature in individuals affected with LZTR1-related conditions. ClinVar contains an entry for this variant (Variation ID: 1734186). Invitae Evidence Modeling of protein sequence and biophysical properties (such as structural, functional, and spatial information, amino acid conservation, physicochemical variation, residue mobility, and thermodynamic stability) indicates that this missense variant is not expected to disrupt LZTR1 protein function with a negative predictive value of 80%. In summary, the available evidence is currently insufficient to determine the role of this variant in disease. Therefore, it has been classified as a Variant of Uncertain Significance.

Dasa
Classification: Uncertain significance. Last evaluated: 2025-05-27. Review status: criteria provided, single submitter. Criteria: DASA Assertion Criteria. Collection method: clinical testing. Allele origin: germline.
Comment: NM_006767.4(LZTR1):c.370G>A (p.Val124Ile) is a missense variant that results in the substitution of valine with isoleucine. This variant is rare in population databases. Computational prediction algorithms are consistent with a benign effect. The currently available literature and clinical evidence are not sufficient to establish a definitive association between this variant and the reported condition. Therefore, this variant is classified as a variant of uncertain significance.

CeGaT Center for Human Genetics Tuebingen
Classification: Uncertain significance. Last evaluated: 2024-08-01. Review status: criteria provided, single submitter. Criteria: CeGaT Center For Human Genetics Tuebingen Variant Classification Criteria Version 2. Collection method: clinical testing. Allele origin: germline. Affected: yes. Observed: 1 variant allele.

Clinical Genomics Laboratory, Washington University in St. Louis
Classification: Uncertain significance for Noonan syndrome 10; Noonan syndrome 2. Last evaluated: 2024-05-21. Review status: criteria provided, single submitter. Criteria: ACMG Guidelines, 2015. Collection method: clinical testing. Allele origin: germline.
Comment: An LZTR1 c.370G>A (p.Val124Ile) variant was identified at a near heterozygous allelic fraction of 46.6%, a frequency which may be consistent with germline origin. This variant, to our knowledge, has not been reported in the medical literature but has been reported in the ClinVar database as a germline variant of uncertain significance by three submitters (ClinVar ID: 1734186). This variant is observed on 16/1,614,074 alleles in the general population (gnomAD v.4.1.0). Computational predictors are uncertain as to the impact of this variant on LZTR1 function. Due to limited information, and based on ACMG/AMP guidelines for variant interpretation (Richards S et al., PMID: 25741868), the clinical significance of this variant is uncertain at this time.

Baylor Genetics
Classification: Uncertain significance for LZTR1-related schwannomatosis. Last evaluated: 2024-02-16. Review status: criteria provided, single submitter. Criteria: ACMG Guidelines, 2015. Collection method: clinical testing. Allele origin: unknown.

Foundation for Research in Genetics and Endocrinology, FRIGE's Institute of Human Genetics
Classification: Uncertain significance for Noonan syndrome 10. Last evaluated: 2023-06-14. Review status: criteria provided, single submitter. Criteria: ACMG Guidelines, 2015. Collection method: clinical testing. Allele origin: germline. Inheritance: Autosomal dominant inheritance. Affected: yes. Observed: 1 heterozygote.
Comment: A heterozygous missense variant in exon 4 of the LZTR1 gene that results in the amino acid substitution of Isoleucine for Valine at codon 124 (p.Val124Ile) was detected. The p.Val124Ile variant has not been reported in the 1000 genomes, gnomAD (v3.1) and gnomdAD (v2) databases and has a minor allele frequency of 0.001% in the topmed databases. The in-silico predictions of the variant are probably damaging by PolyPhen-2 (HumDiv) and damaging by SIFT and LRT. The reference codon is conserved across species. In summary, the variant meets our criteria to be classified as a variant of uncertain significance.

Ambry Genetics
Classification: Uncertain significance for Cardiovascular phenotype; Hereditary cancer-predisposing syndrome. Last evaluated: 2021-04-22. Review status: criteria provided, single submitter. Criteria: Ambry Variant Classification Scheme 2023. Collection method: clinical testing. Allele origin: germline.
Comment: The p.V124I variant (also known as c.370G>A), located in coding exon 4 of the LZTR1 gene, results from a G to A substitution at nucleotide position 370. The valine at codon 124 is replaced by isoleucine, an amino acid with highly similar properties. This amino acid position is highly conserved in available vertebrate species. In addition, this alteration is predicted to be tolerated by in silico analysis. Since supporting evidence is limited at this time, the clinical significance of this alteration remains unclear.

NM_006767.4(LZTR1):c.370G>A (p.Val124Ile)

Gene: LZTR1 (leucine zipper like post translational regulator 1; plus strand). Cytogenetic location: 22q11.21.
Variant type: single nucleotide variant.
Coding change: c.370G>A on transcript NM_006767.4 (MANE Select); coding-DNA position 370, G replaced by A.
Protein change: p.Val124Ile; replaces valine 124 with isoleucine.
Molecular consequence: missense variant.
Genome position (GRCh38, 1-based): chr22:20,987,553, G>A. VCF-style: chr22-20987553-G-A. GRCh37 (hg19) VCF-style: chr22-21341842-G-A.
Other names: p.Val124Ile; short protein forms V124I.
Identifiers: ClinVar variation 1734186 (VCV001734186.30), dbSNP rs759568976, ClinGen allele CA322322807.